The following is an entry in ClinVar:

ClinVar aggregate classification (germline): Uncertain significance. Review status: criteria provided, multiple submitters, no conflicts (2 of 4 stars). 2 submissions from 2 submitters: Uncertain significance (2). Last evaluated 2021-09-01.

Allele frequency attached by ClinVar (database versions not stated): TOPMed 0.00001.
gnomAD v4.1: 6 of 1,613,286 alleles (0.00037%); highest among the groups gnomAD compares: Admixed American, 0.01%; no homozygotes.

Submissions (2):

Blueprint Genetics
Classification: Uncertain significance. Last evaluated: 2021-09-01. Review status: criteria provided, single submitter. Criteria: ACMG Guidelines, 2015. Collection method: clinical testing. Allele origin: germline.

Labcorp Genetics (formerly Invitae), Labcorp
Classification: Uncertain significance. Last evaluated: 2019-11-05. Review status: criteria provided, single submitter. Criteria: Invitae Variant Classification Sherloc (09022015). Collection method: clinical testing. Allele origin: germline.
Comment: In summary, the available evidence is currently insufficient to determine the role of this variant in disease. Therefore, it has been classified as a Variant of Uncertain Significance. Algorithms developed to predict the effect of missense changes on protein structure and function output the following: SIFT: "Deleterious"; PolyPhen-2: "Benign"; Align-GVGD: "Class C0". The histidine amino acid residue is found in multiple mammalian species, suggesting that this missense change does not adversely affect protein function. These predictions have not been confirmed by published functional studies and their clinical significance is uncertain. This sequence change replaces aspartic acid with histidine at codon 62 of the IMPG1 protein (p.Asp62His). The aspartic acid residue is moderately conserved and there is a moderate physicochemical difference between aspartic acid and histidine. This variant is not present in population databases (ExAC no frequency). This variant has not been reported in the literature in individuals with IMPG1-related conditions.

NM_001563.4(IMPG1):c.184G>C (p.Asp62His)

Gene: IMPG1 (interphotoreceptor matrix proteoglycan 1; minus strand). Cytogenetic location: 6q14.1.
Variant type: single nucleotide variant.
Coding change: c.184G>C on transcript NM_001563.4 (MANE Select); coding-DNA position 184, G replaced by C.
Protein change: p.Asp62His; replaces aspartic acid 62 with histidine.
Molecular consequence: missense variant. On other transcripts: intron variant (1).
Genome position (GRCh38, 1-based): chr6:76,042,010, C>G on the plus strand (G>C on the coding strand, the complement: IMPG1 is on the minus strand). VCF-style: chr6-76042010-C-G. GRCh37 (hg19) VCF-style: chr6-76751727-C-G.
Other names: c.68-7223G>C (NM_001282368.2); short protein forms D62H.
Identifiers: ClinVar variation 961142 (VCV000961142.9), dbSNP rs137915302, ClinGen allele CA364829785.